The following is an entry in ClinVar:

NM_001672.3(ASIP):c.223A>G (p.Lys75Glu)

Genes: AHCY (adenosylhomocysteinase; minus strand), ASIP (agouti signaling protein; plus strand). Cytogenetic location: 20q11.22.
Variant type: single nucleotide variant.
Coding change: c.223A>G on transcript NM_001672.3 (MANE Select); coding-DNA position 223, A replaced by G.
Protein change: p.Lys75Glu; replaces lysine 75 with glutamic acid.
Molecular consequence: missense variant.
Genome position (GRCh38, 1-based): chr20:34,268,991, A>G. VCF-style: chr20-34268991-A-G. GRCh37 (hg19) VCF-style: chr20-32856797-A-G.
Other names: c.223A>G, p.Lys75Glu (NM_001385218.1); short protein forms K75E.
Identifiers: ClinVar variation 2334266 (VCV002334266.3), dbSNP rs538816237, ClinGen allele CA9820684.

ClinVar aggregate classification (germline): Uncertain significance. Review status: criteria provided, multiple submitters, no conflicts (2 of 4 stars). 2 submissions from 2 submitters: Uncertain significance (2). Last evaluated 2026-07-29.

Conditions:
ASIP-related condition.

Allele frequency attached by ClinVar (database versions not stated): gnomAD exomes below 0.00001; gnomAD 0.00001; TOPMed 0.00001; 1000 Genomes Project 30x 0.00016; 1000 Genomes Project 0.00020.
gnomAD v4.1: 9 of 1,603,206 alleles (0.00056%); highest among the groups gnomAD compares: East Asian, 0.0045%; no homozygotes.

Submissions (2):

PreventionGenetics, part of Exact Sciences
Classification: Uncertain significance for ASIP-related condition. Last evaluated: 2026-07-29. Review status: criteria provided, single submitter. Criteria: ACMG Guidelines, 2015. Collection method: clinical testing. Allele origin: germline.
Comment: The ASIP c.223A>G variant is predicted to result in the amino acid substitution p.Lys75Glu. To our knowledge, this variant has not been reported in the literature. This variant is reported in 0.012% of alleles in individuals of East Asian descent in gnomAD. At this time, the clinical significance of this variant is uncertain due to the absence of conclusive functional and genetic evidence.

Ambry Genetics
Classification: Uncertain significance. Last evaluated: 2022-12-13. Review status: criteria provided, single submitter. Criteria: Ambry Variant Classification Scheme 2023. Collection method: clinical testing. Allele origin: germline.